The following is an entry in ClinVar:

NM_014391.3(ANKRD1):c.142C>G (p.Leu48Val)

Gene: ANKRD1 (ankyrin repeat domain 1; minus strand). Cytogenetic location: 10q23.31.
Variant type: single nucleotide variant.
Coding change: c.142C>G on transcript NM_014391.3 (MANE Select); coding-DNA position 142, C replaced by G.
Protein change: p.Leu48Val; replaces leucine 48 with valine.
Molecular consequence: missense variant.
Genome position (GRCh38, 1-based): chr10:90,920,234, G>C on the plus strand (C>G on the coding strand, the complement: ANKRD1 is on the minus strand). VCF-style: chr10-90920234-G-C. GRCh37 (hg19) VCF-style: chr10-92679991-G-C.
Other names: short protein forms L48V.
Identifiers: ClinVar variation 1772461 (VCV001772461.2), dbSNP rs2492962665, ClinGen allele CA377553667.
Genomic context (GRCh38, chr10:90,920,234, plus strand): 5'-CCTCTCGTTGTTTCTCGCTTTTCCACTGTTGCTCCCCCAGGGTCACAGGGTGGGCTAGAA[G>C]TGTCTTCAGATCCTCCTGCTTCTCTAAAGTAACAGCAGCTTCATACTCTCCATCTCTGAA-3'
Protein context (NP_055206.2, residues 38-58): TLEKQEDLKT[Leu48Val]LAHPVTLGEQ

ClinVar aggregate classification (germline): Uncertain significance (1 of 4 stars; one submission).

Conditions:
Cardiovascular phenotype. Identifiers: MedGen CN230736.

Submission:

Ambry Genetics
Classification: Uncertain significance for Cardiovascular phenotype. Last evaluated: 2022-01-19. Review status: criteria provided, single submitter. Criteria: Ambry Variant Classification Scheme 2023. Collection method: clinical testing. Allele origin: germline.
Comment: The p.L48V variant (also known as c.142C>G), located in coding exon 2 of the ANKRD1 gene, results from a C to G substitution at nucleotide position 142. The leucine at codon 48 is replaced by valine, an amino acid with highly similar properties. This amino acid position is conserved. In addition, this alteration is predicted to be tolerated by in silico analysis. Since supporting evidence is limited at this time, the clinical significance of this alteration remains unclear.